The following is an entry in ClinVar:

ClinVar aggregate classification (germline): Uncertain significance (1 of 4 stars; one submission).

gnomAD v4.1: 3 of 1,613,862 alleles (0.00019%); highest among the groups gnomAD compares: Non-Finnish European, 0.00025%; no homozygotes.

Submission:

Ambry Genetics
Classification: Uncertain significance. Last evaluated: 2024-09-18. Review status: criteria provided, single submitter. Criteria: Ambry Variant Classification Scheme 2023. Collection method: clinical testing. Allele origin: germline.
Comment: The p.P1026S variant (also known as c.3076C>T), located in coding exon 17 of the PALLD gene, results from a C to T substitution at nucleotide position 3076. The proline at codon 1026 is replaced by serine, an amino acid with similar properties. This amino acid position is conserved. In addition, the in silico prediction for this alteration is inconclusive. Based on the available evidence, the clinical significance of this variant remains unclear.

NM_001166108.2(PALLD):c.3127C>T (p.Pro1043Ser)

Genes: CBR4 (carbonyl reductase 4; minus strand), PALLD (palladin, cytoskeletal associated protein; plus strand). Cytogenetic location: 4q32.3.
Variant type: single nucleotide variant.
Coding change: c.3127C>T on transcript NM_001166108.2 (MANE Select); coding-DNA position 3127, C replaced by T.
Protein change: p.Pro1043Ser; replaces proline 1043 with serine.
Molecular consequence: missense variant.
Genome position (GRCh38, 1-based): chr4:168,924,323, C>T. VCF-style: chr4-168924323-C-T. GRCh37 (hg19) VCF-style: chr4-169845474-C-T.
Other names: c.1930C>T, p.Pro644Ser (NM_001166109.2); c.1615C>T, p.Pro539Ser (NM_001166110.2); c.955C>T, p.Pro319Ser (NM_001367567.1, NM_001367569.1); c.1006C>T, p.Pro336Ser (NM_001367568.1, NM_001367570.1); c.3076C>T, p.Pro1026Ser (NM_016081.4); short protein forms P1043S, P319S, P644S, P1026S, P336S, P539S.
Identifiers: ClinVar variation 3413624 (VCV003413624.1).